The following is an entry in ClinVar:

ClinVar aggregate classification (germline): Likely pathogenic (1 of 4 stars; one submission).

Conditions:
Alstrom syndrome (ALMS). Identifiers: Orphanet 64, MedGen C0268425, MONDO:0008763, OMIM 203800.

Submission:

Myriad Genetics, Inc.
Classification: Likely pathogenic for Alstrom syndrome. Last evaluated: 2022-05-30. Review status: criteria provided, single submitter. Criteria: Myriad Women's Health Autosomal Recessive and X-Linked Classification Criteria (2021). Collection method: clinical testing. Allele origin: unknown.
Comment: NM_015120.4(ALMS1):c.2593G>T(G865*) is expected to be pathogenic in the context of Alstrom syndrome. This variant is predicted to lead to an abnormal or absent protein product due to the creation of a premature termination codon in ALMS1, a gene where loss-of-function variants are known to be pathogenic. Please note: this variant was assessed in the context of healthy population screening.

NM_001378454.1(ALMS1):c.2590G>T (p.Gly864Ter)

Gene: ALMS1 (ALMS1 centrosome and basal body associated protein; plus strand). Cytogenetic location: 2p13.1.
Variant type: single nucleotide variant.
Coding change: c.2590G>T on transcript NM_001378454.1 (MANE Select); coding-DNA position 2590, G replaced by T.
Protein change: p.Gly864Ter; replaces glycine 864 with a stop codon.
Molecular consequence: nonsense.
Genome position (GRCh38, 1-based): chr2:73,449,117, G>T. VCF-style: chr2-73449117-G-T. GRCh37 (hg19) VCF-style: chr2-73676244-G-T.
Other names: c.2593G>T, p.Gly865Ter (NM_015120.4); short protein forms G864*, G865*.
Identifiers: ClinVar variation 1723902 (VCV001723902.2), dbSNP rs2466095122, ClinGen allele CA347270640.